The following is an entry in ClinVar:

ClinVar aggregate classification (germline): Pathogenic (1 of 4 stars; one submission).

Conditions:
Retinoblastoma (RB1). Also called: RETINOBLASTOMA, SOMATIC. Identifiers: Orphanet 790, MedGen C0035335, MeSH D012175, MONDO:0008380, OMIM 180200, HP:0009919. Disease mechanism: loss of function. Inheritance: Both sporadic and heritable forms are tested..

Submission:

Labcorp Genetics (formerly Invitae), Labcorp
Classification: Pathogenic for Retinoblastoma. Last evaluated: 2025-12-30. Review status: criteria provided, single submitter. Criteria: Invitae Variant Classification Sherloc (09022015). Collection method: clinical testing. Allele origin: germline.
Comment: This sequence change creates a premature translational stop signal (p.Asn290Lysfs*20) in the RB1 gene. It is expected to result in an absent or disrupted protein product. Loss-of-function variants in RB1 are known to be pathogenic (PMID: 17096365). This variant is not present in population databases (gnomAD no frequency). This variant has not been reported in the literature in individuals affected with RB1-related conditions. For these reasons, this variant has been classified as Pathogenic.

Literature cited by the submitters: PubMed 17096365.

NM_000321.3(RB1):c.869dup (p.Asn290fs)

Gene: RB1 (RB transcriptional corepressor 1; plus strand). Cytogenetic location: 13q14.2.
Variant type: Duplication.
Coding change: c.869dup on transcript NM_000321.3 (MANE Select); coding-DNA position 869, one base duplicated (A; older notation c.869dupA).
Protein change: p.Asn290fs; shifts the reading frame from asparagine 290.
Molecular consequence: frameshift variant.
Genome position (GRCh38, 1-based): chr13:48,364,901, A duplicated; the last of 5 consecutive A bases (chr13:48,364,897-48,364,901); duplicating any one gives the same sequence. VCF-style (leftmost placement, unchanged base first): chr13-48364896-G-GA. GRCh37 (hg19) VCF-style: chr13-48939032-G-GA.
Other names: c.869dup, p.Asn290fs (NM_001407165.1, NM_001407166.1); short protein forms N290fs.
Identifiers: ClinVar variation 4726802 (VCV004726802.1).
Genomic context (GRCh38, chr13:48,364,896, plus strand): 5'-AAGAGATTAGATTTTGTTTTAAATTTTAATGATCATGTTGTAACTTCATCTTTTTCAGGT[G>GA]AAAAATGTTTATTTCAAAAATTTTATACCTTTTATGAATTCTCTTGGACTTGTAACATCT-3'